The following is an entry in ClinVar:

NM_031407.7(HUWE1):c.11528A>T (p.Glu3843Val)

Gene: HUWE1 (HECT, UBA and WWE domain containing E3 ubiquitin protein ligase 1; minus strand). Cytogenetic location: Xp11.22.
Variant type: single nucleotide variant.
Coding change: c.11528A>T on transcript NM_031407.7 (MANE Select); coding-DNA position 11528, A replaced by T.
Protein change: p.Glu3843Val; replaces glutamic acid 3843 with valine.
Molecular consequence: missense variant.
Genome position (GRCh38, 1-based): chrX:53,539,761, T>A on the plus strand (A>T on the coding strand, the complement: HUWE1 is on the minus strand). VCF-style: chrX-53539761-T-A. GRCh37 (hg19) VCF-style: chrX-53566722-T-A.
Other names: c.11480A>T, p.Glu3827Val (NM_001441048.1, NM_001441053.1, NM_001441058.1); c.11483A>T, p.Glu3828Val (NM_001441049.1, NM_001441054.1); c.11504A>T, p.Glu3835Val (NM_001441050.1, NM_001441055.1); c.11525A>T, p.Glu3842Val (NM_001441051.1, NM_001441056.1); c.11126A>T, p.Glu3709Val (NM_001441052.1); c.11528A>T, p.Glu3843Val (NM_001441057.1); short protein forms E3709V, E3827V, E3828V, E3835V, E3842V, E3843V.
Identifiers: ClinVar variation 4882320 (VCV004882320.2).

ClinVar aggregate classification (germline): Uncertain significance (1 of 4 stars; one submission).

Conditions:
Intellectual developmental disorder, X-linked, syndromic, Turner type. Also called: X-linked intellectual disability, Turner type; Intellectual disability, X-linked syndromic, Turner type. Identifiers: Orphanet 3056, Orphanet 85328, MedGen C2678046, MONDO:0010407, OMIM 309590.

gnomAD v4.1: 1 of 1,208,006 alleles (0.000083%); highest among the groups gnomAD compares: African/African-American, 0.0017%; no homozygotes.

Submission:

Dasa
Classification: Uncertain significance for Intellectual developmental disorder, X-linked, syndromic, Turner type. Last evaluated: 2025-03-10. Review status: criteria provided, single submitter. Criteria: DASA Assertion Criteria. Collection method: clinical testing. Allele origin: germline.
Comment: NM_031407.7(HUWE1):c.11528A>T (p.Glu3843Val) is a missense variant that results in the substitution of glutamic acid with valine. This variant is rare in population databases. Computational prediction algorithms are consistent with a benign effect. The currently available literature and clinical evidence are not sufficient to establish a definitive association between this variant and the reported condition. Therefore, this variant is classified as a variant of uncertain significance.